The following is an entry in ClinVar:

NM_025000.4(DCAF17):c.*350G>A

Gene: DCAF17 (DDB1 and CUL4 associated factor 17; plus strand). Cytogenetic location: 2q31.1.
Variant type: single nucleotide variant.
Coding change: c.*350G>A on transcript NM_025000.4 (MANE Select); 350 bases downstream of the stop codon, G replaced by A.
Molecular consequence: 3 prime UTR variant. On other transcripts: non-coding transcript variant (1).
Genome position (GRCh38, 1-based): chr2:171,481,464, G>A. VCF-style: chr2-171481464-G-A. GRCh37 (hg19) VCF-style: chr2-172337974-G-A.
Other names: c.*350G>A (NM_001164821.2).
Identifiers: ClinVar variation 332278 (VCV000332278.6), dbSNP rs3795996, ClinGen allele CA1965030.

ClinVar aggregate classification (germline): Benign. Review status: criteria provided, multiple submitters, no conflicts (2 of 4 stars). 2 submissions from 2 submitters: Benign (2). Last evaluated 2018-01-12.

Conditions:
Woodhouse-Sakati syndrome. Also called: Hypogonadism, Alopecia, Diabetes Mellitus, Mental Retardation, and Extrapyramidal Syndrome; Hypogonadism, diabetes mellitus, alopecia, mental retardation and electrocardiographic abnormalities; EXTRAPYRAMIDAL DISORDER, PROGRESSIVE, WITH PRIMARY HYPOGONADISM, MENTAL RETARDATION, AND ALOPECIA. Identifiers: Orphanet 3464, MedGen C0342286, MONDO:0009419, OMIM 241080.

Allele frequency attached by ClinVar (database versions not stated): gnomAD exomes 0.02414 and 0.02483; TOPMed 0.03129; gnomAD 0.03006 and 0.03008; 1000 Genomes Project 30x 0.03795; ExAC 0.01691; 1000 Genomes Project 0.03834.
gnomAD v4.1: 12,079 of 460,592 alleles (2.6%); highest among the groups gnomAD compares: East Asian, 4.7%; 188 homozygotes.

Submissions (2):

Illumina Laboratory Services, Illumina
Classification: Benign for Woodhouse-Sakati syndrome. Last evaluated: 2018-01-12. Review status: criteria provided, single submitter. Criteria: ICSL Variant Classification Criteria 13 December 2019. Collection method: clinical testing. Allele origin: germline.
Comment: This variant was observed in the ICSL laboratory as part of a predisposition screen in an ostensibly healthy population. It had not been previously curated by ICSL or reported in the Human Gene Mutation Database (HGMD: prior to June 1st, 2018), and was therefore a candidate for classification through an automated scoring system. Utilizing variant allele frequency, disease prevalence and penetrance estimates, and inheritance mode, an automated score was calculated to assess if this variant is too frequent to cause the disease. Based on the score and internal cut-off values, a variant classified as benign is not then subjected to further curation. The score for this variant resulted in a classification of benign for this disease.

Breakthrough Genomics
Classification: Benign. Review status: criteria provided, single submitter. Criteria: ACMG Guidelines, 2015. Collection method: not provided. Allele origin: germline. Inheritance: Autosomal recessive inheritance. Affected: yes.